The following is an entry in ClinVar:

NM_000392.5(ABCC2):c.2420A>G (p.Asn807Ser)

Gene: ABCC2 (ATP binding cassette subfamily C member 2; plus strand). Cytogenetic location: 10q24.2.
Variant type: single nucleotide variant.
Coding change: c.2420A>G on transcript NM_000392.5 (MANE Select); coding-DNA position 2420, A replaced by G.
Protein change: p.Asn807Ser; replaces asparagine 807 with serine.
Molecular consequence: missense variant.
Genome position (GRCh38, 1-based): chr10:99,818,938, A>G. VCF-style: chr10-99818938-A-G. GRCh37 (hg19) VCF-style: chr10-101578695-A-G.
Other names: short protein forms N807S.
Identifiers: ClinVar variation 3352546 (VCV003352546.1).

ClinVar aggregate classification (germline): Uncertain significance (0 of 4 stars; one submission).

Conditions:
ABCC2-related disorder. Also called: ABCC2-related condition.

gnomAD v4.1: 117 of 1,548,336 alleles (0.0076%); highest among the groups gnomAD compares: Middle Eastern, 0.017%; no homozygotes.

Submission:

PreventionGenetics, part of Exact Sciences
Classification: Uncertain significance for ABCC2-related condition. Last evaluated: 2024-04-17. Review status: no assertion criteria provided. Collection method: clinical testing. Allele origin: germline.
Comment: The ABCC2 c.2420A>G variant is predicted to result in the amino acid substitution p.Asn807Ser. To our knowledge, this variant has not been reported in the literature. This variant is reported in 0.012% of alleles in individuals of African descent in gnomAD. At this time, the clinical significance of this variant is uncertain due to the absence of conclusive functional and genetic evidence.